The following is an entry in ClinVar:

NM_001103.4(ACTN2):c.352G>T (p.Gly118Cys)

Gene: ACTN2 (actinin alpha 2; plus strand). Cytogenetic location: 1q43.
Variant type: single nucleotide variant.
Coding change: c.352G>T on transcript NM_001103.4 (MANE Select); coding-DNA position 352, G replaced by T.
Protein change: p.Gly118Cys; replaces glycine 118 with cysteine.
Molecular consequence: missense variant. On other transcripts: 5 prime UTR variant (1).
Genome position (GRCh38, 1-based): chr1:236,719,004, G>T. VCF-style: chr1-236719004-G-T. GRCh37 (hg19) VCF-style: chr1-236882304-G-T.
Other names: c.352G>T, p.Gly118Cys (NM_001278343.2); c.-470G>T (NM_001278344.2); short protein forms G118C.
Identifiers: ClinVar variation 429420 (VCV000429420.2), dbSNP rs1131691370, ClinGen allele CA345373687.

ClinVar aggregate classification (germline): Likely pathogenic (1 of 4 stars; one submission).

Submission:

GeneDx
Classification: Likely pathogenic. Last evaluated: 2015-08-23. Review status: criteria provided, single submitter. Criteria: GeneDx Variant Classification (06012015). Collection method: clinical testing. Allele origin: germline. Affected: yes.
Comment: The G118C variant in the ACTN2 gene has not been published as a pathogenic variant, nor has it been reported as a benign polymorphism to our knowledge. The G118C variant was not observed in approximately 6500 individuals of European and African American ancestry in the NHLBI Exome Sequencing Project, indicating it is not a common benign variant in these populations. The G118C variant is a non-conservative amino acid substitution, which occurs at a position within the calponin homology 1 domain that is conserved across species. In silico analysis predicts this variant is probably damaging to the protein structure/function. Missense variants in nearby residues (V115M and A119T) have been reported in the Human Gene Mutation Database in association with ACTN2-related cardiomyopathies (Stenson et al., 2014), supporting the functional importance of this region of the protein. The G118C variant is a strong candidate for a disease-causing variant however the possibility it may be a rare benign variant cannot be excluded.